The following is an entry in ClinVar:

ClinVar aggregate classification (germline): Uncertain significance (1 of 4 stars; one submission).

Submission:

Labcorp Genetics (formerly Invitae), Labcorp
Classification: Uncertain significance. Last evaluated: 2023-02-17. Review status: criteria provided, single submitter. Criteria: Invitae Variant Classification Sherloc (09022015). Collection method: clinical testing. Allele origin: germline.
Comment: This sequence change replaces aspartic acid, which is acidic and polar, with asparagine, which is neutral and polar, at codon 523 of the DSG1 protein (p.Asp523Asn). This variant is not present in population databases (gnomAD no frequency). This variant has not been reported in the literature in individuals affected with DSG1-related conditions. Advanced modeling of protein sequence and biophysical properties (such as structural, functional, and spatial information, amino acid conservation, physicochemical variation, residue mobility, and thermodynamic stability) performed at Invitae indicates that this missense variant is not expected to disrupt DSG1 protein function. In summary, the available evidence is currently insufficient to determine the role of this variant in disease. Therefore, it has been classified as a Variant of Uncertain Significance.

NM_001942.4(DSG1):c.1567G>A (p.Asp523Asn)

Gene: DSG1 (desmoglein 1; plus strand). Cytogenetic location: 18q12.1.
Variant type: single nucleotide variant.
Coding change: c.1567G>A on transcript NM_001942.4 (MANE Select); coding-DNA position 1567, G replaced by A.
Protein change: p.Asp523Asn; replaces aspartic acid 523 with asparagine.
Molecular consequence: missense variant.
Genome position (GRCh38, 1-based): chr18:31,339,905, G>A. VCF-style: chr18-31339905-G-A. GRCh37 (hg19) VCF-style: chr18-28919868-G-A.
Other names: short protein forms D523N.
Identifiers: ClinVar variation 2838500 (VCV002838500.3), dbSNP rs2510836318, ClinGen allele CA402137980.